The following is an entry in ClinVar:

ClinVar aggregate classification (germline): Uncertain significance. Review status: criteria provided, multiple submitters, no conflicts (2 of 4 stars). 2 submissions from 2 submitters: Uncertain significance (2). Last evaluated 2024-01-15.

Allele frequency attached by ClinVar (database versions not stated): gnomAD exomes 0.00002; TOPMed 0.00002; ExAC 0.00006.

Submissions (2):

Labcorp Genetics (formerly Invitae), Labcorp
Classification: Uncertain significance. Last evaluated: 2024-01-15. Review status: criteria provided, single submitter. Criteria: Invitae Variant Classification Sherloc (09022015). Collection method: clinical testing. Allele origin: germline.
Comment: This sequence change replaces aspartic acid, which is acidic and polar, with glutamic acid, which is acidic and polar, at codon 269 of the ESPN protein (p.Asp269Glu). This variant is present in population databases (rs765338922, gnomAD 0.01%). This variant has not been reported in the literature in individuals affected with ESPN-related conditions. ClinVar contains an entry for this variant (Variation ID: 1425415). An algorithm developed to predict the effect of missense changes on protein structure and function (PolyPhen-2) suggests that this variant is likely to be disruptive. In summary, the available evidence is currently insufficient to determine the role of this variant in disease. Therefore, it has been classified as a Variant of Uncertain Significance.

GeneDx
Classification: Uncertain significance. Last evaluated: 2022-05-18. Review status: criteria provided, single submitter. Criteria: GeneDx Variant Classification Process June 2021. Collection method: clinical testing. Allele origin: germline. Affected: yes.
Comment: In silico analysis supports that this missense variant has a deleterious effect on protein structure/function; Has not been previously published as pathogenic or benign to our knowledge

NM_031475.3(ESPN):c.807C>G (p.Asp269Glu)

Gene: ESPN (espin; plus strand). Cytogenetic location: 1p36.31.
Variant type: single nucleotide variant.
Coding change: c.807C>G on transcript NM_031475.3 (MANE Select); coding-DNA position 807, C replaced by G.
Protein change: p.Asp269Glu; replaces aspartic acid 269 with glutamic acid.
Molecular consequence: missense variant.
Genome position (GRCh38, 1-based): chr1:6,440,757, C>G. VCF-style: chr1-6440757-C-G. GRCh37 (hg19) VCF-style: chr1-6500817-C-G.
Other names: c.807C>G, p.Asp269Glu (NM_001367473.1, NM_001367474.1); short protein forms D269E.
Identifiers: ClinVar variation 1425415 (VCV001425415.9), dbSNP rs765338922, ClinGen allele CA559995.